The following is an entry in ClinVar:

ClinVar aggregate classification (germline): Uncertain significance. Review status: criteria provided, multiple submitters, no conflicts (2 of 4 stars). 2 submissions from 2 submitters: Uncertain significance (2). Last evaluated 2025-12-14.

Conditions:
Wolcott-Rallison dysplasia. Also called: MED-IDDM SYNDROME; Wolcott-Rallison syndrome. Identifiers: Orphanet 1667, MedGen C0432217, MONDO:0009192, OMIM 226980.

gnomAD v4.1: 1 of 1,613,830 alleles (0.000062%); highest among the groups gnomAD compares: Non-Finnish European, 0.000085%; no homozygotes.

Submissions (2):

Labcorp Genetics (formerly Invitae), Labcorp
Classification: Uncertain significance. Last evaluated: 2025-12-14. Review status: criteria provided, single submitter. Criteria: Invitae Variant Classification Sherloc (09022015). Collection method: clinical testing. Allele origin: germline.
Comment: This sequence change replaces serine, which is neutral and polar, with leucine, which is neutral and non-polar, at codon 217 of the EIF2AK3 protein (p.Ser217Leu). This variant is not present in population databases (gnomAD no frequency). This variant has not been reported in the literature in individuals affected with EIF2AK3-related conditions. ClinVar contains an entry for this variant (Variation ID: 3587010). An algorithm developed to predict the effect of missense changes on protein structure and function (PolyPhen-2) suggests that this variant is likely to be disruptive. In summary, the available evidence is currently insufficient to determine the role of this variant in disease. Therefore, it has been classified as a Variant of Uncertain Significance.

Fulgent Genetics
Classification: Uncertain significance for Wolcott-Rallison dysplasia. Last evaluated: 2024-02-27. Review status: criteria provided, single submitter. Criteria: ACMG Guidelines, 2015. Collection method: clinical testing. Allele origin: germline.

NM_004836.7(EIF2AK3):c.650C>T (p.Ser217Leu)

Gene: EIF2AK3 (eukaryotic translation initiation factor 2 alpha kinase 3; minus strand). Cytogenetic location: 2p11.2.
Variant type: single nucleotide variant.
Coding change: c.650C>T on transcript NM_004836.7 (MANE Select); coding-DNA position 650, C replaced by T.
Protein change: p.Ser217Leu; replaces serine 217 with leucine.
Molecular consequence: missense variant.
Genome position (GRCh38, 1-based): chr2:88,593,389, G>A on the plus strand (C>T on the coding strand, the complement: EIF2AK3 is on the minus strand). VCF-style: chr2-88593389-G-A. GRCh37 (hg19) VCF-style: chr2-88892907-G-A.
Other names: c.197C>T, p.Ser66Leu (NM_001313915.2); short protein forms S217L, S66L.
Identifiers: ClinVar variation 3587010 (VCV003587010.2).